The following is an entry in ClinVar:

ClinVar aggregate classification (germline): Likely benign (0 of 4 stars; one submission).

Conditions:
UFSP2-related disorder. Also called: UFSP2-related condition.

Allele frequency attached by ClinVar (database versions not stated): gnomAD exomes 0.00003; ExAC 0.00009; ESP Exome Variant Server 0.00031; TOPMed 0.00039; gnomAD 0.00048.
gnomAD v4.1: 118 of 1,613,140 alleles (0.0073%); highest among the groups gnomAD compares: African/African-American, 0.15%; no homozygotes.

Submission:

PreventionGenetics, part of Exact Sciences
Classification: Likely benign for UFSP2-related condition. Last evaluated: 2022-12-27. Review status: no assertion criteria provided. Collection method: clinical testing. Allele origin: germline.
Comment: This variant is classified as likely benign based on ACMG/AMP sequence variant interpretation guidelines (Richards et al. 2015 PMID: 25741868, with internal and published modifications).

NM_018359.5(UFSP2):c.997G>A (p.Ala333Thr)

Gene: UFSP2 (UFM1 specific peptidase 2; minus strand). Cytogenetic location: 4q35.1.
Variant type: single nucleotide variant.
Coding change: c.997G>A on transcript NM_018359.5 (MANE Select); coding-DNA position 997, G replaced by A.
Protein change: p.Ala333Thr; replaces alanine 333 with threonine.
Molecular consequence: missense variant. On other transcripts: non-coding transcript variant (2).
Genome position (GRCh38, 1-based): chr4:185,408,060, C>T on the plus strand (G>A on the coding strand, the complement: UFSP2 is on the minus strand). VCF-style: chr4-185408060-C-T. GRCh37 (hg19) VCF-style: chr4-186329214-C-T.
Other names: short protein forms A333T.
Identifiers: ClinVar variation 3058405 (VCV003058405.2), dbSNP rs143266705, ClinGen allele CA3158448.